The following is an entry in ClinVar:

NM_005733.3(KIF20A):c.1337A>C (p.Gln446Pro)

Gene: KIF20A (kinesin family member 20A; plus strand). Cytogenetic location: 5q31.2.
Variant type: single nucleotide variant.
Coding change: c.1337A>C on transcript NM_005733.3 (MANE Select); coding-DNA position 1337, A replaced by C.
Protein change: p.Gln446Pro; replaces glutamine 446 with proline.
Molecular consequence: missense variant.
Genome position (GRCh38, 1-based): chr5:138,184,090, A>C. VCF-style: chr5-138184090-A-C. GRCh37 (hg19) VCF-style: chr5-137519779-A-C.
Other names: c.1337A>C (NM_005733.2); short protein forms Q446P.
Identifiers: ClinVar variation 1509167 (VCV001509167.9), dbSNP rs754520813, ClinGen allele CA3426570.

ClinVar aggregate classification (germline): Uncertain significance. Review status: criteria provided, multiple submitters, no conflicts (2 of 4 stars). 2 submissions from 2 submitters: Uncertain significance (2). Last evaluated 2025-11-21.

Allele frequency attached by ClinVar (database versions not stated): gnomAD 0.00001; gnomAD exomes 0.00001; ExAC 0.00002; TOPMed 0.00002.
gnomAD v4.1: 23 of 1,614,020 alleles (0.0014%); highest among the groups gnomAD compares: Non-Finnish European, 0.0019%; no homozygotes.

Submissions (2):

Labcorp Genetics (formerly Invitae), Labcorp
Classification: Uncertain significance. Last evaluated: 2025-11-21. Review status: criteria provided, single submitter. Criteria: Invitae Variant Classification Sherloc (09022015). Collection method: clinical testing. Allele origin: germline.
Comment: This sequence change replaces glutamine, which is neutral and polar, with proline, which is neutral and non-polar, at codon 446 of the KIF20A protein (p.Gln446Pro). This variant is present in population databases (rs754520813, gnomAD 0.003%). This variant has not been reported in the literature in individuals affected with KIF20A-related conditions. ClinVar contains an entry for this variant (Variation ID: 1509167). An algorithm developed to predict the effect of missense changes on protein structure and function (PolyPhen-2) suggests that this variant is likely to be disruptive. In summary, the available evidence is currently insufficient to determine the role of this variant in disease. Therefore, it has been classified as a Variant of Uncertain Significance.

Ambry Genetics
Classification: Uncertain significance. Last evaluated: 2025-01-18. Review status: criteria provided, single submitter. Criteria: Ambry Variant Classification Scheme 2023. Collection method: clinical testing. Allele origin: germline.